The following is an entry in ClinVar:

ClinVar aggregate classification (germline): Uncertain significance (1 of 4 stars; one submission).

Submission:

Labcorp Genetics (formerly Invitae), Labcorp
Classification: Uncertain significance. Last evaluated: 2021-11-14. Review status: criteria provided, single submitter. Criteria: Invitae Variant Classification Sherloc (09022015). Collection method: clinical testing. Allele origin: germline.
Comment: In summary, the available evidence is currently insufficient to determine the role of this variant in disease. Therefore, it has been classified as a Variant of Uncertain Significance. This sequence change replaces glycine, which is neutral and non-polar, with arginine, which is basic and polar, at codon 3 of the LZTR1 protein (p.Gly3Arg). This variant is not present in population databases (gnomAD no frequency). This variant has not been reported in the literature in individuals affected with LZTR1-related conditions. Algorithms developed to predict the effect of missense changes on protein structure and function are either unavailable or do not agree on the potential impact of this missense change (SIFT: "Deleterious"; PolyPhen-2: "Probably Damaging"; Align-GVGD: "Class C0").

NM_006767.4(LZTR1):c.7G>A (p.Gly3Arg)

Genes: LZTR1 (leucine zipper like post translational regulator 1; plus strand), LOC130067016 (ATAC-STARR-seq lymphoblastoid silent region 13504; plus strand). Cytogenetic location: 22q11.21.
Variant type: single nucleotide variant.
Coding change: c.7G>A on transcript NM_006767.4 (MANE Select); coding-DNA position 7, G replaced by A.
Protein change: p.Gly3Arg; replaces glycine 3 with arginine.
Molecular consequence: missense variant.
Genome position (GRCh38, 1-based): chr22:20,982,378, G>A. VCF-style: chr22-20982378-G-A. GRCh37 (hg19) VCF-style: chr22-21336667-G-A.
Other names: short protein forms G3R.
Identifiers: ClinVar variation 1437042 (VCV001437042.6), dbSNP rs2147956688, ClinGen allele CA410777394.